The following is an entry in ClinVar:

ClinVar aggregate classification (germline): Uncertain significance (1 of 4 stars; one submission).

Conditions:
Hypokalemic periodic paralysis, type 1. Also called: Hypokalemic Periodic Paralysis Type 1 (AD); HypoPP. Identifiers: Orphanet 681, MedGen C3714580, MONDO:0042979, OMIM 170400.
Malignant hyperthermia, susceptibility to, 5 (MHS5). Also called: CACNA1S-Related Malignant Hyperthermia Susceptibility. Identifiers: Orphanet 423, MedGen C1866077, MONDO:0011163, OMIM 601887.

Submission:

Labcorp Genetics (formerly Invitae), Labcorp
Classification: Uncertain significance for Hypokalemic periodic paralysis, type 1; Malignant hyperthermia, susceptibility to, 5. Last evaluated: 2022-09-07. Review status: criteria provided, single submitter. Criteria: Invitae Variant Classification Sherloc (09022015). Collection method: clinical testing. Allele origin: germline.
Comment: This sequence change replaces serine, which is neutral and polar, with phenylalanine, which is neutral and non-polar, at codon 1845 of the CACNA1S protein (p.Ser1845Phe). This variant is not present in population databases (gnomAD no frequency). This variant has not been reported in the literature in individuals affected with CACNA1S-related conditions. ClinVar contains an entry for this variant (Variation ID: 1432810). Advanced modeling of protein sequence and biophysical properties (such as structural, functional, and spatial information, amino acid conservation, physicochemical variation, residue mobility, and thermodynamic stability) performed at Invitae indicates that this missense variant is not expected to disrupt CACNA1S protein function. In summary, the available evidence is currently insufficient to determine the role of this variant in disease. Therefore, it has been classified as a Variant of Uncertain Significance.

NM_000069.3(CACNA1S):c.5534C>T (p.Ser1845Phe)

Gene: CACNA1S (calcium voltage-gated channel subunit alpha1 S; minus strand). Cytogenetic location: 1q32.1.
Variant type: single nucleotide variant.
Coding change: c.5534C>T on transcript NM_000069.3 (MANE Select); coding-DNA position 5534, C replaced by T.
Protein change: p.Ser1845Phe; replaces serine 1845 with phenylalanine.
Molecular consequence: missense variant.
Genome position (GRCh38, 1-based): chr1:201,039,919, G>A on the plus strand (C>T on the coding strand, the complement: CACNA1S is on the minus strand). VCF-style: chr1-201039919-G-A. GRCh37 (hg19) VCF-style: chr1-201009047-G-A.
Other names: short protein forms S1845F.
Identifiers: ClinVar variation 1432810 (VCV001432810.3), dbSNP rs2102535354, ClinGen allele CA344128536.